The following is an entry in ClinVar:

NM_174916.3(UBR1):c.654G>T (p.Gln218His)

Gene: UBR1 (ubiquitin protein ligase E3 component n-recognin 1; minus strand). Cytogenetic location: 15q15.2.
Variant type: single nucleotide variant.
Coding change: c.654G>T on transcript NM_174916.3 (MANE Select); coding-DNA position 654, G replaced by T.
Protein change: p.Gln218His; replaces glutamine 218 with histidine.
Molecular consequence: missense variant.
Genome position (GRCh38, 1-based): chr15:43,070,800, C>A on the plus strand (G>T on the coding strand, the complement: UBR1 is on the minus strand). VCF-style: chr15-43070800-C-A. GRCh37 (hg19) VCF-style: chr15-43362998-C-A.
Other names: short protein forms Q218H.
Identifiers: ClinVar variation 777247 (VCV000777247.34), dbSNP rs139686505, ClinGen allele CA7518973.
Genomic context (GRCh38, chr15:43,070,800, plus strand): 5'-TTTGCAATACAAATAACCATCACTAAAACTTGTTCCGTTTGACAGTTTTCCCCACCTTAT[C>A]TGGAGTTCAGGAGGCAGTTCTTTTTCCTCTTCCCATATAGTCATTTCTACGACATATTTT-3'
Protein context (NP_777576.1, residues 208-228): EEEKELPPEL[Gln218His]IREKNERYYC

ClinVar aggregate classification (germline): Benign/Likely benign. Review status: criteria provided, multiple submitters, no conflicts (2 of 4 stars). 3 submissions from 3 submitters: Benign (1); Likely benign (1). 1 of the submissions does not count toward it. Last evaluated 2026-01-26.

Conditions:
UBR1-related disorder. Also called: UBR1-related condition.

Allele frequency attached by ClinVar (database versions not stated): 1000 Genomes Project 30x 0.00047; 1000 Genomes Project 0.00060; TOPMed 0.00097; ESP Exome Variant Server 0.00161; gnomAD exomes 0.00182 and 0.00238; gnomAD 0.00198 and 0.00207; ExAC 0.00241.
gnomAD v4.1: 2,950 of 1,613,310 alleles (0.18%); highest among the groups gnomAD compares: Non-Finnish European, 0.17%; 13 homozygotes.

Submissions (3):

Labcorp Genetics (formerly Invitae), Labcorp
Classification: Benign. Last evaluated: 2026-01-26. Review status: criteria provided, single submitter. Criteria: Invitae Variant Classification Sherloc (09022015). Collection method: clinical testing. Allele origin: germline.

CeGaT Center for Human Genetics Tuebingen
Classification: Likely benign. Last evaluated: 2026-01-01. Review status: criteria provided, single submitter. Criteria: CeGaT Center For Human Genetics Tuebingen Variant Classification Criteria Version 2. Collection method: clinical testing. Allele origin: germline. Affected: yes. Observed: 3 variant alleles.
Comment: UBR1: BP4, BS2

PreventionGenetics, part of Exact Sciences
Classification: Benign for UBR1-related condition. Last evaluated: 2022-08-03. Review status: no assertion criteria provided. Collection method: clinical testing. Allele origin: germline. Not counted in ClinVar's aggregate classification.
Comment: This variant is classified as benign based on ACMG/AMP sequence variant interpretation guidelines (Richards et al. 2015 PMID: 25741868, with internal and published modifications).